The following is an entry in ClinVar:

NM_005751.5(AKAP9):c.409G>A (p.Glu137Lys)

Gene: AKAP9 (A-kinase anchoring protein 9; plus strand). Cytogenetic location: 7q21.2.
Variant type: single nucleotide variant.
Coding change: c.409G>A on transcript NM_005751.5 (MANE Select); coding-DNA position 409, G replaced by A.
Protein change: p.Glu137Lys; replaces glutamic acid 137 with lysine.
Molecular consequence: missense variant.
Genome position (GRCh38, 1-based): chr7:91,992,888, G>A. VCF-style: chr7-91992888-G-A. GRCh37 (hg19) VCF-style: chr7-91622202-G-A.
Other names: c.409G>A, p.Glu137Lys (NM_147185.3); short protein forms E137K.
Identifiers: ClinVar variation 3630758 (VCV003630758.3).
Genomic context (GRCh38, chr7:91,992,888, plus strand): 5'-TCTCTCCCTAAGGAATATTGCTAATACTGAATTCTTTAAAATCTTGGATTGATTTAGGAA[G>A]AAGAATTTGGTGTTGATGATTCTTATTCTGAACAAGGAGCACAAGACAGTCCGACTCATC-3'
Protein context (NP_005742.4, residues 127-147): TGKPTNLLRE[Glu137Lys]EFGVDDSYSE

ClinVar aggregate classification (germline): Uncertain significance. Review status: criteria provided, multiple submitters, no conflicts (2 of 4 stars). 2 submissions from 2 submitters: Uncertain significance (2). Last evaluated 2025-06-18.

Conditions:
Long QT syndrome (LQTS). Identifiers: MedGen C0023976, MeSH D008133, MONDO:0002442. Disease mechanism: loss of function. Inheritance: Various modes of inheritance.
Cardiovascular phenotype. Identifiers: MedGen CN230736.

gnomAD v4.1: 4 of 1,613,628 alleles (0.00025%); highest among the groups gnomAD compares: Non-Finnish European, 0.00034%; no homozygotes.

Submissions (2):

Ambry Genetics
Classification: Uncertain significance for Cardiovascular phenotype. Last evaluated: 2025-06-18. Review status: criteria provided, single submitter. Criteria: Ambry Variant Classification Scheme 2023. Collection method: clinical testing. Allele origin: germline.

Labcorp Genetics (formerly Invitae), Labcorp
Classification: Uncertain significance for Long QT syndrome. Last evaluated: 2025-02-12. Review status: criteria provided, single submitter. Criteria: Invitae Variant Classification Sherloc (09022015). Collection method: clinical testing. Allele origin: germline.
Comment: This sequence change replaces glutamic acid, which is acidic and polar, with lysine, which is basic and polar, at codon 137 of the AKAP9 protein (p.Glu137Lys). This variant is present in population databases (rs56254439, gnomAD 0.0009%). This variant has not been reported in the literature in individuals affected with AKAP9-related conditions. An algorithm developed to predict the effect of missense changes on protein structure and function (PolyPhen-2) suggests that this variant is likely to be tolerated. In summary, the available evidence is currently insufficient to determine the role of this variant in disease. Therefore, it has been classified as a Variant of Uncertain Significance.